The following is an entry in ClinVar:

ClinVar aggregate classification (germline): Likely pathogenic (1 of 4 stars; one submission).

Conditions:
Neurofibromatosis, type 1 (NF1). Also called: VON RECKLINGHAUSEN DISEASE; Neurofibromatosis, type I; Peripheral type neurofibromatosis; NEUROFIBROMATOSIS, TYPE I, SOMATIC. Identifiers: Orphanet 636, MedGen C0027831, MONDO:0018975, OMIM 162200. Disease mechanism: loss of function.

Submission:

Labcorp Genetics (formerly Invitae), Labcorp
Classification: Likely pathogenic for Neurofibromatosis, type 1. Last evaluated: 2023-08-11. Review status: criteria provided, single submitter. Criteria: Invitae Variant Classification Sherloc (09022015). Collection method: clinical testing. Allele origin: unknown.
Comment: This variant results in a copy number gain of the genomic region encompassing exon(s) 18-22 of the NF1 gene. While the exact position of this variant cannot be determined from the data, sub-genic copy number gains are generally in tandem (PMID: 25640679). This variant is predicted to be out-of-frame, and may result in an absent or disrupted protein product. Loss-of-function variants in NF1 are known to be pathogenic (PMID: 10712197, 23913538). This variant has not been reported in the literature in individuals affected with NF1-related conditions. In summary, the currently available evidence indicates that the variant is pathogenic, but additional data are needed to prove that conclusively. Therefore, this variant has been classified as Likely Pathogenic.

Literature cited by the submitters: PubMed 25640679; PubMed 10712197; PubMed 23913538.

NC_000017.10:g.(?_29553439)_(29557002_?)dup

Gene: NF1 (neurofibromin 1; plus strand). Cytogenetic location: 17q11.2.
Variant type: Duplication.
Identifiers: ClinVar variation 3242893 (VCV003242893.1).